The following is an entry in ClinVar:

NM_001048174.2(MUTYH):c.49G>C (p.Ala17Pro)

Gene: MUTYH (mutY DNA glycosylase; minus strand). Cytogenetic location: 1p34.1.
Variant type: single nucleotide variant.
Coding change: c.49G>C on transcript NM_001048174.2 (MANE Select); coding-DNA position 49, G replaced by C.
Protein change: p.Ala17Pro; replaces alanine 17 with proline.
Molecular consequence: missense variant. On other transcripts: 5 prime UTR variant (7), non-coding transcript variant (7).
Genome position (GRCh38, 1-based): chr1:45,334,457, C>G on the plus strand (G>C on the coding strand, the complement: MUTYH is on the minus strand). VCF-style: chr1-45334457-C-G. GRCh37 (hg19) VCF-style: chr1-45800129-C-G.
Other names: c.91G>C, p.Ala31Pro (NM_001128425.2, NM_001293190.2, NM_001407069.1 and 2 more transcripts); c.49G>C, p.Ala17Pro (NM_001293191.2, NM_001293195.2, NM_001407070.1 and 15 more transcripts); c.-164G>C (NM_001293192.2, NM_001293196.2, NM_001407091.1); c.-223G>C (NM_001350650.2); c.-159G>C (NM_001350651.2, NM_001407082.1); c.-108G>C (NM_001407075.1); c.67G>C, p.Ala23Pro (NM_001407087.1); short protein forms A31P, A17P, A23P.
Identifiers: ClinVar variation 4113906 (VCV004113906.1).
Genomic context (GRCh38, chr1:45,334,457, plus strand): 5'-AGGCAGAAGGCTTGGCCTGACTGTTGTTCTTAGCATGCTTCTGCCTCCCTTCCTGGCTGG[C>G]TGCCTGCTTCCTGTGACCACTTCCCACGGCTGCTCGTGGCTTCCTCATGATGGCCTGAAA-3'
Protein context (NP_001041639.1, residues 7-27): AVGSGHRKQA[Ala17Pro]SQEGRQKHAK

ClinVar aggregate classification (germline): Uncertain significance (1 of 4 stars; one submission).

Conditions:
Hereditary cancer-predisposing syndrome. Also called: Hereditary neoplastic syndrome; Neoplastic Syndromes, Hereditary; Tumor predisposition; Hereditary Cancer Syndrome. Identifiers: Orphanet 140162, MedGen C0027672, MeSH D009386, MONDO:0015356.

Submission:

Ambry Genetics
Classification: Uncertain significance for Hereditary cancer-predisposing syndrome. Last evaluated: 2025-08-27. Review status: criteria provided, single submitter. Criteria: Ambry Variant Classification Scheme 2023. Collection method: clinical testing. Allele origin: germline.
Comment: The p.A31P variant (also known as c.91G>C), located in coding exon 2 of the MUTYH gene, results from a G to C substitution at nucleotide position 91. The alanine at codon 31 is replaced by proline, an amino acid with highly similar properties. This amino acid position is conserved. In addition, this alteration is predicted to be tolerated by in silico analysis. Based on the available evidence, the clinical significance of this variant remains unclear.